The following is an entry in ClinVar:

ClinVar aggregate classification (germline): Pathogenic (3 of 4 stars; one submission).

Conditions:
Monogenic diabetes. Identifiers: Orphanet 183625, MedGen C3888631, MONDO:0015967.

Submission:

ClinGen Monogenic Diabetes Variant Curation Expert Panel
Classification: Pathogenic for Monogenic diabetes. Last evaluated: 2022-06-10. Review status: reviewed by expert panel. Criteria: ClinGen Diabetes ACMG Specifications v1 1. Collection method: curation. Allele origin: germline. Inheritance: Autosomal dominant inheritance.
Comment: The c.326+1G>C variant in the HNF1 homeobox A gene, HNF1A, is predicted to remove a canonical splice donor site in intron 1 of NM_000545.8. This variant is predicted to cause skipping of biologically-relevant exon 1 of 10, resulting in a frameshift, leading to nonsense mediated decay in a gene in which loss-of-function is an established disease mechanism (PVS1; PMID: 23348805). Additionally, this variant was identified in an individual with a clinical history highly specific for HNF1A-MODY (MODY probability calculator result >50%, negative genetic testing for HNF4A, and response to low dose sulfonylurea) (PP4_Moderate; internal lab contributors). The c.326+1G>A and c.326+1G>T variants at the same canonical nucleotide have been classified as pathogenic for monogenic diabetes by the ClinGen MDEP, and c.326+1G>C has a similar predicted impact on donor loss by Splice AI (0.98) (PS1_Supporting). Lastly, this variant is absent from gnomAD v2.1.1 (PM2_Supporting). In summary, c.326+1G>C meets the criteria to be classified as pathogenic for monogenic diabetes. ACMG/AMP criteria applied, as specified by the ClinGen MDEP (specification version 1.1 approved 9/30/21): PVS1, PS1_Supporting, PP4_Moderate, PM2_Supporting.

NM_000545.8(HNF1A):c.326+1G>C

Gene: HNF1A (HNF1 homeobox A; plus strand). Cytogenetic location: 12q24.31.
Variant type: single nucleotide variant.
Coding change: c.326+1G>C on transcript NM_000545.8 (MANE Select); the canonical splice donor site of the intron after coding-DNA position 326, G replaced by C.
Molecular consequence: splice donor variant.
Genome position (GRCh38, 1-based): chr12:120,979,095, G>C. VCF-style: chr12-120979095-G-C. GRCh37 (hg19) VCF-style: chr12-121416898-G-C.
Other names: NM_001306179.2:c.326+1G>C; c.326+1G>C (NM_001306179.2, NM_001406915.1).
Identifiers: ClinVar variation 1693222 (VCV001693222.1), dbSNP rs2135820424, ClinGen allele CA386954977.